The following is an entry in ClinVar:

NM_006059.4(LAMC3):c.1913G>A (p.Arg638His)

Gene: LAMC3 (laminin subunit gamma 3; plus strand). Cytogenetic location: 9q34.12.
Variant type: single nucleotide variant.
Coding change: c.1913G>A on transcript NM_006059.4 (MANE Select); coding-DNA position 1913, G replaced by A.
Protein change: p.Arg638His; replaces arginine 638 with histidine.
Molecular consequence: missense variant.
Genome position (GRCh38, 1-based): chr9:131,052,939, G>A. VCF-style: chr9-131052939-G-A. GRCh37 (hg19) VCF-style: chr9-133928326-G-A.
Other names: c.1913G>A (NM_006059.3); short protein forms R638H.
Identifiers: ClinVar variation 1392851 (VCV001392851.7), dbSNP rs148563273, ClinGen allele CA5287264.

ClinVar aggregate classification (germline): Uncertain significance. Review status: criteria provided, multiple submitters, no conflicts (2 of 4 stars). 3 submissions from 3 submitters: Uncertain significance (3). Last evaluated 2024-09-03.

Conditions:
Inborn genetic diseases. Identifiers: MedGen C0950123, MeSH D030342.

Allele frequency attached by ClinVar (database versions not stated): gnomAD 0.00004; gnomAD exomes 0.00008 and 0.00013; TOPMed 0.00008; ExAC 0.00009; ESP Exome Variant Server 0.00015.

Submissions (3):

GeneDx
Classification: Uncertain significance. Last evaluated: 2024-09-03. Review status: criteria provided, single submitter. Criteria: GeneDx Variant Classification Process June 2021. Collection method: clinical testing. Allele origin: germline. Affected: yes.
Comment: Not observed at significant frequency in large population cohorts (gnomAD); In silico analysis supports that this missense variant has a deleterious effect on protein structure/function; Has not been previously published as pathogenic or benign to our knowledge

Labcorp Genetics (formerly Invitae), Labcorp
Classification: Uncertain significance. Last evaluated: 2022-07-26. Review status: criteria provided, single submitter. Criteria: Invitae Variant Classification Sherloc (09022015). Collection method: clinical testing. Allele origin: germline.
Comment: This sequence change replaces arginine, which is basic and polar, with histidine, which is basic and polar, at codon 638 of the LAMC3 protein (p.Arg638His). This variant is present in population databases (rs148563273, gnomAD 0.01%). This variant has not been reported in the literature in individuals affected with LAMC3-related conditions. ClinVar contains an entry for this variant (Variation ID: 1392851). Algorithms developed to predict the effect of missense changes on protein structure and function output the following: SIFT: "Tolerated"; PolyPhen-2: "Benign"; Align-GVGD: "Class C0". The histidine amino acid residue is found in multiple mammalian species, which suggests that this missense change does not adversely affect protein function. In summary, the available evidence is currently insufficient to determine the role of this variant in disease. Therefore, it has been classified as a Variant of Uncertain Significance.

Ambry Genetics
Classification: Uncertain significance for Inborn genetic diseases. Last evaluated: 2021-03-17. Review status: criteria provided, single submitter. Criteria: Ambry Variant Classification Scheme 2023. Collection method: clinical testing. Allele origin: germline.
Comment: The c.1913G>A (p.R638H) alteration is located in exon 11 (coding exon 11) of the LAMC3 gene. This alteration results from a G to A substitution at nucleotide position 1913, causing the arginine (R) at amino acid position 638 to be replaced by a histidine (H). The p.R638H alteration is predicted to be tolerated by in silico analysis. Based on insufficient or conflicting evidence, the clinical significance of this alteration remains unclear.